The following is an entry in ClinVar:

NM_007294.4(BRCA1):c.717T>C (p.His239=)

Gene: BRCA1 (BRCA1 DNA repair associated; minus strand). Cytogenetic location: 17q21.31.
Variant type: single nucleotide variant.
Coding change: c.717T>C on transcript NM_007294.4 (MANE Select); coding-DNA position 717, T replaced by C.
Protein change: p.His239=; no amino-acid change (histidine 239 retained).
Molecular consequence: synonymous variant. On other transcripts: 5 prime UTR variant (2), intron variant (13).
Genome position (GRCh38, 1-based): chr17:43,094,814, A>G on the plus strand (T>C on the coding strand, the complement: BRCA1 is on the minus strand). VCF-style: chr17-43094814-A-G. GRCh37 (hg19) VCF-style: chr17-41246831-A-G.
Other names: c.504T>C, p.His168= (NM_001407571.1, NM_001407853.1, NM_001407894.1 and 12 more transcripts); c.717T>C, p.His239= (NM_001407581.1, NM_001407582.1, NM_001407583.1 and 54 more transcripts); c.714T>C, p.His238= (NM_001407587.1, NM_001407590.1, NM_001407591.1 and 38 more transcripts); c.708T>C, p.His236= (NM_001407646.1, NM_001407647.1, NM_001408408.1); c.594T>C, p.His198= (NM_001407648.1, NM_001407664.1, NM_001407665.1 and 34 more transcripts); c.591T>C, p.His197= (NM_001407649.1, NM_001407670.1, NM_001407671.1 and 20 more transcripts); c.639T>C, p.His213= (NM_001407653.1, NM_001407654.1, NM_001407655.1 and 9 more transcripts); c.636T>C, p.His212= (NM_001407659.1, NM_001407660.1, NM_001407661.1 and 3 more transcripts); and 20 more.
Identifiers: ClinVar variation 2838963 (VCV002838963.5), dbSNP rs56310439, ClinGen allele CA500233622.

ClinVar aggregate classification (germline): Likely benign. Review status: criteria provided, multiple submitters, no conflicts (2 of 4 stars). 3 submissions from 3 submitters: Likely benign (3). Last evaluated 2025-11-11.

Conditions:
Breast-ovarian cancer, familial, susceptibility to, 1 (BROVCA1). Also called: BRCA1 Hereditary Breast and Ovarian Cancer; OVARIAN CANCER, SUSCEPTIBILITY TO. Identifiers: Orphanet 145, MedGen C2676676, MONDO:0011450, OMIM 604370. Disease mechanism: loss of function.
Hereditary cancer-predisposing syndrome. Also called: Neoplastic Syndromes, Hereditary; Tumor predisposition; Hereditary Cancer Syndrome; Hereditary neoplastic syndrome. Identifiers: Orphanet 140162, MedGen C0027672, MeSH D009386, MONDO:0015356.
Hereditary breast ovarian cancer syndrome. Also called: Hereditary breast and ovarian cancer syndrome; Hereditary breast and ovarian cancer; Hereditary breast and ovarian cancer syndrome (HBOC); Breast and ovarian cancer; Hereditary breast and/or ovarian cancer syndrome; BRCA1- and BRCA2-Associated Hereditary Breast and Ovarian Cancer. Identifiers: Orphanet 145, MedGen C0677776, MeSH D061325, MONDO:0003582. Disease mechanism: loss of function.

Allele frequency attached by ClinVar (database versions not stated): gnomAD exomes below 0.00001.
gnomAD v4.1: 2 of 1,613,746 alleles (0.00012%); highest among the groups gnomAD compares: Non-Finnish European, 0.00017%; no homozygotes.

Submissions (3):

Ambry Genetics
Classification: Likely benign for Hereditary cancer-predisposing syndrome. Last evaluated: 2025-11-11. Review status: criteria provided, single submitter. Criteria: Ambry Variant Classification Scheme 2023. Collection method: clinical testing. Allele origin: germline.

All of Us Research Program, National Institutes of Health
Classification: Likely benign for Breast-ovarian cancer, familial, susceptibility to, 1. Last evaluated: 2023-06-08. Review status: criteria provided, single submitter. Criteria: ACMG Guidelines, 2015. Collection method: clinical testing. Allele origin: germline. Inheritance: Autosomal dominant inheritance. Observed: 1 variant allele, 1 heterozygote.
Comment: This study involves interpretation of variants in research participants for the purpose of population health screening. Participant phenotype was not available at the time of variant classification. Additional details can be found in publication PMID: 35346344, PMCID: PMC8962531

Labcorp Genetics (formerly Invitae), Labcorp
Classification: Likely benign for Hereditary breast ovarian cancer syndrome. Last evaluated: 2023-02-22. Review status: criteria provided, single submitter. Criteria: Invitae Variant Classification Sherloc (09022015). Collection method: clinical testing. Allele origin: germline.